The following is an entry in ClinVar:

NM_002098.6(GUCA1B):c.137T>A (p.Phe46Tyr)

Gene: GUCA1B (guanylate cyclase activator 1B; minus strand). Cytogenetic location: 6p21.1.
Variant type: single nucleotide variant.
Coding change: c.137T>A on transcript NM_002098.6 (MANE Select); coding-DNA position 137, T replaced by A.
Protein change: p.Phe46Tyr; replaces phenylalanine 46 with tyrosine.
Molecular consequence: missense variant.
Genome position (GRCh38, 1-based): chr6:42,194,684, A>T on the plus strand (T>A on the coding strand, the complement: GUCA1B is on the minus strand). VCF-style: chr6-42194684-A-T. GRCh37 (hg19) VCF-style: chr6-42162422-A-T.
Other names: short protein forms F46Y.
Identifiers: ClinVar variation 1514326 (VCV001514326.8), dbSNP rs2113849698, ClinGen allele CA364113919.
Genomic context (GRCh38, chr6:42,194,684, plus strand): 5'-TCGAAGGCTCGGAACATGCCCTCTACATACTGGGAGGCCTCCTCATCGTCTGTGACCTTG[A>T]AGAAGCGCTTAAACTCATGCATAAAGAGTGTGCCGCTGGGGCACTCCATCACAAACTTCT-3'
Protein context (NP_002089.4, residues 36-56): TLFMHEFKRF[Phe46Tyr]KVTDDEEASQ

ClinVar aggregate classification (germline): Uncertain significance (1 of 4 stars; one submission).

Allele frequency attached by ClinVar (database versions not stated): gnomAD exomes below 0.00001.

Submission:

Labcorp Genetics (formerly Invitae), Labcorp
Classification: Uncertain significance. Last evaluated: 2022-07-25. Review status: criteria provided, single submitter. Criteria: Invitae Variant Classification Sherloc (09022015). Collection method: clinical testing. Allele origin: germline.
Comment: In summary, the available evidence is currently insufficient to determine the role of this variant in disease. Therefore, it has been classified as a Variant of Uncertain Significance. Algorithms developed to predict the effect of missense changes on protein structure and function are either unavailable or do not agree on the potential impact of this missense change (SIFT: "Deleterious"; PolyPhen-2: "Probably Damaging"; Align-GVGD: "Class C15"). ClinVar contains an entry for this variant (Variation ID: 1514326). This variant has not been reported in the literature in individuals affected with GUCA1B-related conditions. This variant is not present in population databases (gnomAD no frequency). This sequence change replaces phenylalanine, which is neutral and non-polar, with tyrosine, which is neutral and polar, at codon 46 of the GUCA1B protein (p.Phe46Tyr).